The following is an entry in ClinVar:

ClinVar aggregate classification (germline): Benign (1 of 4 stars; one submission).

Conditions:
Erythrocytosis, familial, 3 (ECYT3). Identifiers: Orphanet 247511, MedGen C1853286, MONDO:0012353, OMIM 609820.

Allele frequency attached by ClinVar (database versions not stated): TOPMed 0.00299; 1000 Genomes Project 0.00180; gnomAD 0.00228 and 0.00238; 1000 Genomes Project 30x 0.00203.

Submission:

Illumina Laboratory Services, Illumina
Classification: Benign for Erythrocytosis, familial, 3. Last evaluated: 2018-01-12. Review status: criteria provided, single submitter. Criteria: ICSL Variant Classification Criteria 13 December 2019. Collection method: clinical testing. Allele origin: germline.
Comment: This variant was observed in the ICSL laboratory as part of a predisposition screen in an ostensibly healthy population. It had not been previously curated by ICSL or reported in the Human Gene Mutation Database (HGMD: prior to June 1st, 2018), and was therefore a candidate for classification through an automated scoring system. Utilizing variant allele frequency, disease prevalence and penetrance estimates, and inheritance mode, an automated score was calculated to assess if this variant is too frequent to cause the disease. Based on the score and internal cut-off values, a variant classified as benign is not then subjected to further curation. The score for this variant resulted in a classification of benign for this disease.

NM_022051.2(EGLN1):c.-2696G>A

Gene: EGLN1 (egl-9 family hypoxia inducible factor 1; minus strand). Cytogenetic location: 1q42.2.
Variant type: single nucleotide variant.
Coding change: c.-2696G>A on transcript NM_022051.2; 2696 bases upstream of the start codon, G replaced by A.
Genome position (GRCh38, 1-based): chr1:231,424,584, C>T on the plus strand (G>A on the coding strand, the complement: EGLN1 is on the minus strand). VCF-style: chr1-231424584-C-T. GRCh37 (hg19) VCF-style: chr1-231560330-C-T.
Identifiers: ClinVar variation 876265 (VCV000876265.6), dbSNP rs147783454, ClinGen allele CA38951709.
Genomic context (GRCh38, chr1:231,424,584, plus strand): 5'-TTCAGGATTTTCACCTATTCAGGCTTAATAATCTGAACTAATTCCAAATTAGTGAGTTTT[C>T]ACCACACCATATGCTGGTGAACAATCTTGTCACCAACACGATTCTGGAACTCCAGTAGCA-3'